The following is an entry in ClinVar:

NM_017534.6(MYH2):c.5030T>G (p.Leu1677Arg)

Genes: MYHAS (myosin heavy chain gene cluster antisense RNA; plus strand), MYH2 (myosin heavy chain 2; minus strand), LOC126862500 (BRD4-independent group 4 enhancer GRCh37_chr17:10427829-10429028; plus strand). Cytogenetic location: 17p13.1.
Variant type: single nucleotide variant.
Coding change: c.5030T>G on transcript NM_017534.6 (MANE Select); coding-DNA position 5030, T replaced by G.
Protein change: p.Leu1677Arg; replaces leucine 1677 with arginine.
Molecular consequence: missense variant.
Genome position (GRCh38, 1-based): chr17:10,524,611, A>C on the plus strand (T>G on the coding strand, the complement: MYH2 is on the minus strand). VCF-style: chr17-10524611-A-C. GRCh37 (hg19) VCF-style: chr17-10427928-A-C.
Other names: c.5030T>G, p.Leu1677Arg (NM_001100112.2); short protein forms L1677R.
Identifiers: ClinVar variation 1384140 (VCV001384140.6), dbSNP rs2073325642, ClinGen allele CA398119742.
Genomic context (GRCh38, chr17:10,524,611, plus strand): 5'-GTGGCCCGCAGCTCCTCGATCTCAGCCTGCAGCAGGTTGGCTCTGCGCTCCACCATGGCC[A>C]GCTGTTCCTTCAGGTCCTCCTGGCTCCGGAGAGCATCATCCAGGTGGATCTGGGTATCCT-3'
Protein context (NP_060004.3, residues 1667-1687): LRSQEDLKEQ[Leu1677Arg]AMVERRANLL

ClinVar aggregate classification (germline): Uncertain significance (1 of 4 stars; one submission).

Conditions:
Myopathy, proximal, and ophthalmoplegia (CMYO6). Also called: MYOPATHY WITH CONGENITAL JOINT CONTRACTURES, OPHTHALMOPLEGIA, AND RIMMED VACUOLES; INCLUSION BODY MYOPATHY 3, AUTOSOMAL DOMINANT; CONGENITAL MYOPATHY 6 WITH OPHTHALMOPLEGIA. Identifiers: Orphanet 363677, Orphanet 79091, MedGen C1854106, MONDO:0011577, OMIM 605637.

Allele frequency attached by ClinVar (database versions not stated): TOPMed below 0.00001; gnomAD 0.00001.

Submission:

Labcorp Genetics (formerly Invitae), Labcorp
Classification: Uncertain significance for Myopathy, proximal, and ophthalmoplegia. Last evaluated: 2025-08-28. Review status: criteria provided, single submitter. Criteria: Invitae Variant Classification Sherloc (09022015). Collection method: clinical testing. Allele origin: germline.
Comment: This sequence change replaces leucine, which is neutral and non-polar, with arginine, which is basic and polar, at codon 1677 of the MYH2 protein (p.Leu1677Arg). This variant is not present in population databases (gnomAD no frequency). This variant has not been reported in the literature in individuals affected with MYH2-related conditions. ClinVar contains an entry for this variant (Variation ID: 1384140). Invitae Evidence Modeling of protein sequence and biophysical properties (such as structural, functional, and spatial information, amino acid conservation, physicochemical variation, residue mobility, and thermodynamic stability) indicates that this missense variant is not expected to disrupt MYH2 protein function with a negative predictive value of 80%. In summary, the available evidence is currently insufficient to determine the role of this variant in disease. Therefore, it has been classified as a Variant of Uncertain Significance.